The following is an entry in ClinVar:

NM_138694.4(PKHD1):c.11004T>C (p.Asp3668=)

Gene: PKHD1 (PKHD1 ciliary IPT domain containing fibrocystin/polyductin; minus strand). Cytogenetic location: 6p12.3.
Variant type: single nucleotide variant.
Coding change: c.11004T>C on transcript NM_138694.4 (MANE Select); coding-DNA position 11004, T replaced by C.
Protein change: p.Asp3668=; no amino-acid change (aspartic acid 3668 retained).
Molecular consequence: synonymous variant.
Genome position (GRCh38, 1-based): chr6:51,659,122, A>G on the plus strand (T>C on the coding strand, the complement: PKHD1 is on the minus strand). VCF-style: chr6-51659122-A-G. GRCh37 (hg19) VCF-style: chr6-51523920-A-G.
Other names: c.11004T>C (NM_138694.3).
Identifiers: ClinVar variation 2112710 (VCV002112710.5), dbSNP rs2533433087, ClinGen allele CA450612715.
Genomic context (GRCh38, chr6:51,659,122, plus strand): 5'-ATTCTGTAATTTGTTACTTGATAAGGATGAAATCATTCCAGTGCTCCTTACTGTTGGCGA[A>G]TCACCAATTTCAATGACAATCACTTTTGAGATAGTTTCCACAGTCATTGGGGGTGAAGCC-3'
Protein context (NP_619639.3, residues 3658-3678): ISKVIVIEIG[Asp3668=]SPTVRSTGMI

ClinVar aggregate classification (germline): Likely benign. Review status: criteria provided, single submitter (1 of 4 stars). 2 submissions from 2 submitters: Likely benign (1). 1 of the submissions does not count toward it. Last evaluated 2022-03-15.

Conditions:
PKHD1-related disorder. Also called: PKHD1-related condition.
Autosomal recessive polycystic kidney disease (ARPKD). Also called: AR polycystic kidney disease. Identifiers: Orphanet 731, Orphanet 8378, MedGen C0085548, MeSH D017044, MONDO:0009889.

Allele frequency attached by ClinVar (database versions not stated): gnomAD exomes below 0.00001.
gnomAD v4.1: 1 of 1,613,892 alleles (0.000062%); highest among the groups gnomAD compares: Middle Eastern, 0.017%; no homozygotes.

Submissions (2):

Labcorp Genetics (formerly Invitae), Labcorp
Classification: Likely benign for Autosomal recessive polycystic kidney disease. Last evaluated: 2022-03-15. Review status: criteria provided, single submitter. Criteria: Invitae Variant Classification Sherloc (09022015). Collection method: clinical testing. Allele origin: germline.

PreventionGenetics, part of Exact Sciences
Classification: Likely benign for PKHD1-related condition. Last evaluated: 2024-09-28. Review status: no assertion criteria provided. Collection method: clinical testing. Allele origin: germline. Not counted in ClinVar's aggregate classification.
Comment: This variant is classified as likely benign based on ACMG/AMP sequence variant interpretation guidelines (Richards et al. 2015 PMID: 25741868, with internal and published modifications).